The following is an entry in ClinVar:

NM_001378454.1(ALMS1):c.12417A>T (p.Lys4139Asn)

Gene: ALMS1 (ALMS1 centrosome and basal body associated protein; plus strand). Cytogenetic location: 2p13.1.
Variant type: single nucleotide variant.
Coding change: c.12417A>T on transcript NM_001378454.1 (MANE Select); coding-DNA position 12417, A replaced by T.
Protein change: p.Lys4139Asn; replaces lysine 4139 with asparagine.
Molecular consequence: missense variant.
Genome position (GRCh38, 1-based): chr2:73,608,529, A>T. VCF-style: chr2-73608529-A-T. GRCh37 (hg19) VCF-style: chr2-73835656-A-T.
Other names: c.12420A>T, p.Lys4140Asn (NM_015120.4); short protein forms K4139N, K4140N.
Identifiers: ClinVar variation 1758515 (VCV001758515.5), dbSNP rs377361240, ClinGen allele CA1715574.

ClinVar aggregate classification (germline): Conflicting classifications of pathogenicity. Review status: criteria provided, conflicting classifications (1 of 4 stars). 3 submissions from 3 submitters: Uncertain significance (2); Likely benign (1). Last evaluated 2024-02-20.

Conditions:
Alstrom syndrome (ALMS). Identifiers: Orphanet 64, MedGen C0268425, MONDO:0008763, OMIM 203800.
Cardiovascular phenotype. Identifiers: MedGen CN230736.

Allele frequency attached by ClinVar (database versions not stated): ExAC 0.00001; gnomAD 0.00003; TOPMed 0.00004; ESP Exome Variant Server 0.00008; gnomAD exomes 0.00011.
gnomAD v4.1: 172 of 1,614,016 alleles (0.011%); highest among the groups gnomAD compares: Non-Finnish European, 0.014%; no homozygotes.

Submissions (3):

Ambry Genetics
Classification: Likely benign for Cardiovascular phenotype. Last evaluated: 2024-02-20. Review status: criteria provided, single submitter. Criteria: Ambry Variant Classification Scheme 2023. Collection method: clinical testing. Allele origin: germline.

Blueprint Genetics
Classification: Uncertain significance. Last evaluated: 2023-05-31. Review status: criteria provided, single submitter. Criteria: ACMG Guidelines, 2015. Collection method: clinical testing. Allele origin: germline.

Labcorp Genetics (formerly Invitae), Labcorp
Classification: Uncertain significance for Alstrom syndrome. Last evaluated: 2022-08-21. Review status: criteria provided, single submitter. Criteria: Invitae Variant Classification Sherloc (09022015). Collection method: clinical testing. Allele origin: germline.
Comment: This sequence change replaces lysine, which is basic and polar, with asparagine, which is neutral and polar, at codon 4140 of the ALMS1 protein (p.Lys4140Asn). This variant is present in population databases (rs377361240, gnomAD 0.006%). This variant has not been reported in the literature in individuals affected with ALMS1-related conditions. Experimental studies and prediction algorithms are not available or were not evaluated, and the functional significance of this variant is currently unknown. In summary, the available evidence is currently insufficient to determine the role of this variant in disease. Therefore, it has been classified as a Variant of Uncertain Significance.